The following is an entry in ClinVar:

NM_000256.3(MYBPC3):c.3572C>T (p.Ser1191Leu)

Gene: MYBPC3 (myosin binding protein C3; minus strand). Cytogenetic location: 11p11.2.
Variant type: single nucleotide variant.
Coding change: c.3572C>T on transcript NM_000256.3 (MANE Select); coding-DNA position 3572, C replaced by T.
Protein change: p.Ser1191Leu; replaces serine 1191 with leucine.
Molecular consequence: missense variant.
Genome position (GRCh38, 1-based): chr11:47,332,621, G>A on the plus strand (C>T on the coding strand, the complement: MYBPC3 is on the minus strand). VCF-style: chr11-47332621-G-A. GRCh37 (hg19) VCF-style: chr11-47354172-G-A.
Other names: c.3572C>T, p.Ser1191Leu (LRG_386t1); short protein forms S1191L.
Identifiers: ClinVar variation 524959 (VCV000524959.25), dbSNP rs761545914, ClinGen allele CA079437.

ClinVar aggregate classification (germline): Uncertain significance. Review status: criteria provided, multiple submitters, no conflicts (2 of 4 stars). 11 submissions from 11 submitters: Uncertain significance (11). Last evaluated 2026-09-21.

Conditions:
MYBPC3-related disorder. Also called: MYBPC3-related disorders; MYBPC3-related condition; MYBPC3-related disease.
Cardiovascular phenotype. Identifiers: MedGen CN230736.
Cardiomyopathy (CMYO). Also called: Cardiomyopathies. Identifiers: Orphanet 167848, MedGen C0878544, MONDO:0004994, HP:0001638. Inheritance: Various modes of inheritance.
Hypertrophic cardiomyopathy 4. Also called: Familial hypertrophic cardiomyopathy 4. Identifiers: MedGen C1861862, MONDO:0007268, OMIM 115197.
Hypertrophic cardiomyopathy. Also called: HYPERTROPHIC MYOCARDIOPATHY. Identifiers: Orphanet 217569, MedGen C0007194, MeSH D002312, MONDO:0005045, HP:0001639.

Allele frequency attached by ClinVar (database versions not stated): ExAC 0.00002; gnomAD 0.00001 and 0.00002; gnomAD exomes 0.00002; TOPMed 0.00002.
gnomAD v4.1: 39 of 1,613,788 alleles (0.0024%); highest among the groups gnomAD compares: East Asian, 0.0045%; no homozygotes.

Submissions (11):

Molecular Diagnostic Laboratory for Inherited Cardiovascular Disease, Montreal Heart Institute
Classification: Uncertain significance for Cardiovascular phenotype. Last evaluated: 2026-09-21. Review status: criteria provided, single submitter. Criteria: ACMG Guidelines, 2015. Collection method: clinical testing. Allele origin: germline. Affected: yes.
Comment: PS4_supp, PM2

Clinical Genetics Laboratory, Skane University Hospital Lund
Classification: Uncertain significance for Hypertrophic cardiomyopathy. Last evaluated: 2026-02-27. Review status: criteria provided, single submitter. Criteria: ACMG Guidelines, 2015. Collection method: clinical testing. Allele origin: germline. Affected: yes.
Comment: ClinGen Cardiomyopathy Expert Panel Specifications to the ACMG/AMP Variant Interpretation Guidelines for MYBPC3 Version 1.0.0: BP4

PreventionGenetics, part of Exact Sciences
Classification: Uncertain significance for MYBPC3-related condition. Last evaluated: 2025-05-12. Review status: criteria provided, single submitter. Criteria: ACMG Guidelines, 2015. Collection method: clinical testing. Allele origin: germline.
Comment: The MYBPC3 c.3572C>T variant is predicted to result in the amino acid substitution p.Ser1191Leu. This variant was reported as a variant of uncertain significance in individuals with hypertrophic cardiomyopathy (Table S1, Bos et al. 2014. PubMed ID: 24793961; Table S1, Lopes et al. 2014. PubMed ID: 25351510; Table S1A, Walsh et al. 2017. PubMed ID: 27532257; Table S10, Stava et al. 2022. PubMed ID: 35653365). However, this variant was also found in an affected individual who also carried a causative variant in MYBPC3 (patient #56 in Table S2, Field et al. 2022. PubMed ID: 34400558). This variant is reported in 0.0056% of alleles in individuals of East Asian descent in gnomAD. At this time, the clinical significance of this variant is uncertain due to the absence of conclusive functional and genetic evidence.

Labcorp Genetics (formerly Invitae), Labcorp
Classification: Uncertain significance for Hypertrophic cardiomyopathy. Last evaluated: 2025-01-23. Review status: criteria provided, single submitter. Criteria: Invitae Variant Classification Sherloc (09022015). Collection method: clinical testing. Allele origin: germline.
Comment: This sequence change replaces serine, which is neutral and polar, with leucine, which is neutral and non-polar, at codon 1191 of the MYBPC3 protein (p.Ser1191Leu). This variant is present in population databases (rs761545914, gnomAD 0.01%). This missense change has been observed in individuals with hypertrophic cardiomyopathy (PMID: 24793961, 27532257, 37652022). ClinVar contains an entry for this variant (Variation ID: 524959). An algorithm developed to predict the effect of missense changes on protein structure and function (PolyPhen-2) suggests that this variant is likely to be disruptive. In summary, the available evidence is currently insufficient to determine the role of this variant in disease. Therefore, it has been classified as a Variant of Uncertain Significance.

Ambry Genetics
Classification: Uncertain significance for Cardiovascular phenotype. Last evaluated: 2024-06-05. Review status: criteria provided, single submitter. Criteria: Ambry Variant Classification Scheme 2023. Collection method: clinical testing. Allele origin: germline.
Comment: The p.S1191L variant (also known as c.3572C>T), located in coding exon 32 of the MYBPC3 gene, results from a C to T substitution at nucleotide position 3572. The serine at codon 1191 is replaced by leucine, an amino acid with dissimilar properties. This alteration has been reported in hypertrophic cardiomyopathy (HCM) and cardiomyopathy cohorts (Bos JM et al. Mayo Clin. Proc., 2014 Jun;89:727-37; Lopes LR et al. Heart, 2015 Feb;101:294-301; Walsh R et al. Genet. Med., 2017 02;19:192-203; Stava TT et al. Eur J Prev Cardiol, 2022 Oct;29:1789-1799). This amino acid position is well conserved in available vertebrate species. In addition, the in silico prediction for this alteration is inconclusive. Since supporting evidence is limited at this time, the clinical significance of this alteration remains unclear.

All of Us Research Program, National Institutes of Health
Classification: Uncertain significance for Hypertrophic cardiomyopathy. Last evaluated: 2024-05-09. Review status: criteria provided, single submitter. Criteria: ACMG Guidelines, 2015. Collection method: clinical testing. Allele origin: germline. Inheritance: Autosomal dominant inheritance. Observed: 9 variant alleles, 9 heterozygotes.
Comment: This missense variant replaces serine with leucine at codon 1191 of the MYBPC3 protein. Computational prediction suggests that this variant may not impact protein structure and function (internally defined REVEL score threshold <= 0.5, PMID: 27666373). To our knowledge, functional studies have not been reported for this variant. This variant has been reported in at least 2 individuals affected with hypertrophic cardiomyopathy (PMID: 24793961, 27532257). This variant has been identified in 4/248956 chromosomes in the general population by the Genome Aggregation Database (gnomAD). The available evidence is insufficient to determine the role of this variant in disease conclusively. Therefore, this variant is classified as a Variant of Uncertain Significance.

This study involves interpretation of variants in research participants for the purpose of population health screening. Participant phenotype was not available at the time of variant classification. Additional details can be found in publication PMID: 35346344, PMCID: PMC8962531

KardioGenetik, Herz- und Diabeteszentrum NRW
Classification: Uncertain significance for Hypertrophic cardiomyopathy 4. Last evaluated: 2024-04-18. Review status: criteria provided, single submitter. Criteria: ACMG Guidelines, 2015. Collection method: clinical testing. Allele origin: maternal. Observed: 1 variant allele.
Comment: BP4, PM2

Color Diagnostics, LLC DBA Color Health
Classification: Uncertain significance for Cardiomyopathy. Last evaluated: 2023-11-01. Review status: criteria provided, single submitter. Criteria: ACMG Guidelines, 2015. Collection method: clinical testing. Allele origin: germline.
Comment: This missense variant replaces serine with leucine at codon 1191 of the MYBPC3 protein. Computational prediction suggests that this variant may not impact protein structure and function (internally defined REVEL score threshold <= 0.4, PMID: 27666373). To our knowledge, functional studies have not been reported for this variant. This variant has been reported in at least 2 individuals affected with hypertrophic cardiomyopathy (PMID: 24793961, 27532257). This variant has been identified in 4/248956 chromosomes in the general population by the Genome Aggregation Database (gnomAD). The available evidence is insufficient to determine the role of this variant in disease conclusively. Therefore, this variant is classified as a Variant of Uncertain Significance.

CHEO Genetics Diagnostic Laboratory, Children's Hospital of Eastern Ontario
Classification: Uncertain significance for Cardiomyopathy. Last evaluated: 2023-03-17. Review status: criteria provided, single submitter. Criteria: ACMG Guidelines, 2015. Collection method: clinical testing. Allele origin: germline.

GeneDx
Classification: Uncertain significance. Last evaluated: 2021-08-03. Review status: criteria provided, single submitter. Criteria: GeneDx Variant Classification Process June 2021. Collection method: clinical testing. Allele origin: germline. Affected: yes.
Comment: The S1191L variant of uncertain significance in the MYBPC3 gene has been reported in association with HCM (Bos et al., 2014; Lopes et al., 2015; Walsh et al., 2017); however these reports do not provide specific clinical or segregation data and they do not clarify if other variants were identified in these individuals. S1191L is a non-conservative amino acid substitution, which is likely to impact secondary protein structure as these residues differ in polarity, charge, size and/or other properties. Moreover, in-silico analyses, including protein predictors and evolutionary conservation, support a deleterious effect. Finally, the S1191L variant is observed in 3/17,244 (0.01%) East Asian alleles in large population cohorts (Lek et al., 2016). Thus, this variant lacks observation in a significant number of affected individuals, segregation data, and functional evidence, which would further clarify its pathogenicity. Therefore, based on the currently available information, it is unclear whether this variant is pathogenic or rare benign.

Blueprint Genetics
Classification: Uncertain significance. Last evaluated: 2020-09-18. Review status: criteria provided, single submitter. Criteria: ACMG Guidelines, 2015. Collection method: clinical testing. Allele origin: germline.

Literature cited by the submitters: PubMed 24793961 (cited by 4 submitters); PubMed 27532257 (cited by 4 submitters); PubMed 37652022 (cited by Labcorp Genetics (formerly Invitae), Labcorp); PubMed 25351510 (cited by Ambry Genetics); PubMed 35653365 (cited by Ambry Genetics).